The following is an entry in ClinVar:

ClinVar aggregate classification (germline): Uncertain significance (1 of 4 stars; one submission).

gnomAD v4.1: 1 of 1,597,594 alleles (0.000063%); highest among the groups gnomAD compares: Non-Finnish European, 0.000085%; no homozygotes.

Submission:

GeneDx
Classification: Uncertain significance. Last evaluated: 2023-11-07. Review status: criteria provided, single submitter. Criteria: GeneDx Variant Classification Process June 2021. Collection method: clinical testing. Allele origin: germline. Affected: yes.
Comment: Not observed at significant frequency in large population cohorts (gnomAD); In silico analysis supports that this missense variant has a deleterious effect on protein structure/function; Has not been previously published as pathogenic or benign to our knowledge

NM_015215.4(CAMTA1):c.2465C>T (p.Pro822Leu)

Gene: CAMTA1 (calmodulin binding transcription activator 1; plus strand). Cytogenetic location: 1p36.23.
Variant type: single nucleotide variant.
Coding change: c.2465C>T on transcript NM_015215.4 (MANE Select); coding-DNA position 2465, C replaced by T.
Protein change: p.Pro822Leu; replaces proline 822 with leucine.
Molecular consequence: missense variant.
Genome position (GRCh38, 1-based): chr1:7,665,012, C>T. VCF-style: chr1-7665012-C-T. GRCh37 (hg19) VCF-style: chr1-7725072-C-T.
Other names: c.2375C>T, p.Pro792Leu (NM_001349608.2, NM_001349612.2); c.2465C>T, p.Pro822Leu (NM_001349609.2, NM_001349610.2, NM_001410737.1); c.2393C>T, p.Pro798Leu (NM_001410738.1); short protein forms P792L, P798L, P822L.
Identifiers: ClinVar variation 3364009 (VCV003364009.1).